The following is an entry in ClinVar:

NM_014516.4(CNOT3):c.1935G>A (p.Thr645=)

Gene: CNOT3 (CCR4-NOT transcription complex subunit 3; plus strand). Cytogenetic location: 19q13.42.
Variant type: single nucleotide variant.
Coding change: c.1935G>A on transcript NM_014516.4 (MANE Select); coding-DNA position 1935, G replaced by A.
Protein change: p.Thr645=; no amino-acid change (threonine 645 retained).
Molecular consequence: synonymous variant.
Genome position (GRCh38, 1-based): chr19:54,152,897, G>A. VCF-style: chr19-54152897-G-A. GRCh37 (hg19) VCF-style: chr19-54656634-G-A.
Identifiers: ClinVar variation 3051327 (VCV003051327.4), dbSNP rs202216847, ClinGen allele CA309340691.
Genomic context (GRCh38, chr19:54,152,897, plus strand): 5'-CTGGCACTGACCTTCCTGTTGCTCTCACAGGCAGTACCTCCCCCGGAACCCCTGTCCGAC[G>A]CCCCCCTACCACCACCAGATGCCACCCCCACACTCGGACACTGTGGAATTCTACCAGCGC-3'
Protein context (NP_055331.1, residues 635-655): RQYLPRNPCP[Thr645=]PPYHHQMPPP

ClinVar aggregate classification (germline): Likely benign. Review status: criteria provided, multiple submitters, no conflicts (2 of 4 stars). 3 submissions from 3 submitters: Likely benign (2). 1 of the submissions does not count toward it. Last evaluated 2025-07-14.

Conditions:
CNOT3-related disorder. Also called: CNOT3-related condition.

Allele frequency attached by ClinVar (database versions not stated): gnomAD 0.00003; TOPMed 0.00003; ExAC 0.00004; ESP Exome Variant Server 0.00015.
gnomAD v4.1: 41 of 1,515,926 alleles (0.0027%); highest among the groups gnomAD compares: Middle Eastern, 0.053%; no homozygotes.

Submissions (3):

Labcorp Genetics (formerly Invitae), Labcorp
Classification: Likely benign. Last evaluated: 2025-07-14. Review status: criteria provided, single submitter. Criteria: Invitae Variant Classification Sherloc (09022015). Collection method: clinical testing. Allele origin: germline.

Blueprint Genetics
Classification: Likely benign. Last evaluated: 2022-02-16. Review status: criteria provided, single submitter. Criteria: ACMG Guidelines, 2015. Collection method: clinical testing. Allele origin: germline.

PreventionGenetics, part of Exact Sciences
Classification: Likely benign for CNOT3-related condition. Last evaluated: 2019-03-14. Review status: no assertion criteria provided. Collection method: clinical testing. Allele origin: germline. Not counted in ClinVar's aggregate classification.
Comment: This variant is classified as likely benign based on ACMG/AMP sequence variant interpretation guidelines (Richards et al. 2015 PMID: 25741868, with internal and published modifications).